The following is an entry in ClinVar:

ClinVar aggregate classification (germline): Uncertain significance. Review status: criteria provided, multiple submitters, no conflicts (2 of 4 stars). 2 submissions from 2 submitters: Uncertain significance (2). Last evaluated 2025-05-20.

Conditions:
Cardiomyopathy (CMYO). Also called: Cardiomyopathies. Identifiers: Orphanet 167848, MedGen C0878544, MONDO:0004994, HP:0001638. Inheritance: Various modes of inheritance.
Catecholaminergic polymorphic ventricular tachycardia (CVPT). Also called: Catecholamine-induced polymorphic ventricular tachycardia. Identifiers: Orphanet 3286, MedGen C5574922, MONDO:0017990.

Allele frequency attached by ClinVar (database versions not stated): gnomAD exomes 0.00001; ExAC 0.00002.
gnomAD v4.1: 12 of 1,611,830 alleles (0.00074%); highest among the groups gnomAD compares: Middle Eastern, 0.017%; no homozygotes.

Submissions (2):

Color Diagnostics, LLC DBA Color Health
Classification: Uncertain significance for Cardiomyopathy. Last evaluated: 2025-05-20. Review status: criteria provided, single submitter. Criteria: ACMG Guidelines, 2015. Collection method: clinical testing. Allele origin: germline.
Comment: This missense variant replaces proline with leucine at codon 876 of the RYR2 protein. Computational prediction is inconclusive regarding the impact of this variant on protein structure and function. To our knowledge, functional studies have not been reported for this variant. This variant has not been reported in individuals affected with RYR2-related disorders in the literature. This variant has been identified in 4/247066 chromosomes in the general population by the Genome Aggregation Database (gnomAD). The available evidence is insufficient to determine the role of this variant in disease conclusively. Therefore, this variant is classified as a Variant of Uncertain Significance.

All of Us Research Program, National Institutes of Health
Classification: Uncertain significance for Catecholaminergic polymorphic ventricular tachycardia. Last evaluated: 2023-06-28. Review status: criteria provided, single submitter. Criteria: ACMG Guidelines, 2015. Collection method: clinical testing. Allele origin: germline. Inheritance: Autosomal dominant inheritance. Observed: 1 variant allele, 1 heterozygote.
Comment: This study involves interpretation of variants in research participants for the purpose of population health screening. Participant phenotype was not available at the time of variant classification. Additional details can be found in publication PMID: 35346344, PMCID: PMC8962531

NM_001035.3(RYR2):c.2627C>T (p.Pro876Leu)

Gene: RYR2 (ryanodine receptor 2; plus strand). Cytogenetic location: 1q43.
Variant type: single nucleotide variant.
Coding change: c.2627C>T on transcript NM_001035.3 (MANE Select); coding-DNA position 2627, C replaced by T.
Protein change: p.Pro876Leu; replaces proline 876 with leucine.
Molecular consequence: missense variant.
Genome position (GRCh38, 1-based): chr1:237,506,723, C>T. VCF-style: chr1-237506723-C-T. GRCh37 (hg19) VCF-style: chr1-237670023-C-T.
Other names: short protein forms P876L.
Identifiers: ClinVar variation 3072111 (VCV003072111.2), dbSNP rs746619519, ClinGen allele CA086096.